The following is an entry in ClinVar:

NM_000094.4(COL7A1):c.227G>A (p.Gly76Asp)

Gene: COL7A1 (collagen type VII alpha 1 chain; minus strand). Cytogenetic location: 3p21.31.
Variant type: single nucleotide variant.
Coding change: c.227G>A on transcript NM_000094.4 (MANE Select); coding-DNA position 227, G replaced by A.
Protein change: p.Gly76Asp; replaces glycine 76 with aspartic acid.
Molecular consequence: missense variant.
Genome position (GRCh38, 1-based): chr3:48,594,407, C>T on the plus strand (G>A on the coding strand, the complement: COL7A1 is on the minus strand). VCF-style: chr3-48594407-C-T. GRCh37 (hg19) VCF-style: chr3-48631840-C-T.
Other names: short protein forms G76D.
Identifiers: ClinVar variation 2153535 (VCV002153535.1), dbSNP rs1420002915, ClinGen allele CA352749340.

ClinVar aggregate classification (germline): Uncertain significance (1 of 4 stars; one submission).

Submission:

Labcorp Genetics (formerly Invitae), Labcorp
Classification: Uncertain significance. Last evaluated: 2021-08-31. Review status: criteria provided, single submitter. Criteria: Invitae Variant Classification Sherloc (09022015). Collection method: clinical testing. Allele origin: germline.
Comment: This sequence change replaces glycine with aspartic acid at codon 76 of the COL7A1 protein (p.Gly76Asp). The glycine residue is moderately conserved and there is a moderate physicochemical difference between glycine and aspartic acid. This variant is not present in population databases (ExAC no frequency). This variant has not been reported in the literature in individuals affected with COL7A1-related conditions. In summary, the available evidence is currently insufficient to determine the role of this variant in disease. Therefore, it has been classified as a Variant of Uncertain Significance.